The following is an entry in ClinVar:

ClinVar aggregate classification (germline): Uncertain significance (1 of 4 stars; one submission).

Conditions:
Inborn genetic diseases. Identifiers: MedGen C0950123, MeSH D030342.

Submission:

Ambry Genetics
Classification: Uncertain significance for Inborn genetic diseases. Last evaluated: 2025-12-07. Review status: criteria provided, single submitter. Criteria: Ambry Variant Classification Scheme 2023. Collection method: clinical testing. Allele origin: germline.
Comment: The p.K258N variant (also known as c.774G>C), located in coding exon 6 of the FANCG gene, results from a G to C substitution at nucleotide position 774. The lysine at codon 258 is replaced by asparagine, an amino acid with similar properties. This amino acid position is conserved. In addition, this alteration is predicted to be tolerated by in silico analysis. Based on the available evidence, the clinical significance of this variant remains unclear.

NM_004629.2(FANCG):c.774G>C (p.Lys258Asn)

Gene: FANCG (FA complementation group G; minus strand). Cytogenetic location: 9p13.3.
Variant type: single nucleotide variant.
Coding change: c.774G>C on transcript NM_004629.2 (MANE Select); coding-DNA position 774, G replaced by C.
Protein change: p.Lys258Asn; replaces lysine 258 with asparagine.
Molecular consequence: missense variant.
Genome position (GRCh38, 1-based): chr9:35,076,974, C>G on the plus strand (G>C on the coding strand, the complement: FANCG is on the minus strand). VCF-style: chr9-35076974-C-G. GRCh37 (hg19) VCF-style: chr9-35076971-C-G.
Other names: short protein forms K258N.
Identifiers: ClinVar variation 4619401 (VCV004619401.1).